The following is an entry in ClinVar:

ClinVar aggregate classification (germline): Pathogenic (1 of 4 stars; one submission).

Conditions:
X-linked Alport syndrome (ATS1). Also called: COL4A5-Related Nephropathy; NEPHROPATHY AND DEAFNESS, X-LINKED. Identifiers: Orphanet 63, Orphanet 88917, MedGen C4746986, MONDO:0010520, OMIM 301050.

Submission:

MVZ Medizinische Genetik Mainz
Classification: Pathogenic for X-linked Alport syndrome. Last evaluated: 2024-03-20. Review status: criteria provided, single submitter. Criteria: UK Practice Guidelines For Variant Classification V4 01 2020. Collection method: clinical testing. Allele origin: germline. Inheritance: X-linked dominant inheritance. Affected: yes. Observed: 1 variant allele.
Comment: ACMG Criteria: PVS1,PM2_SUP,PP4

NM_033380.3(COL4A5):c.1537C>T (p.Gln513Ter)

Gene: COL4A5 (collagen type IV alpha 5 chain; plus strand). Cytogenetic location: Xq22.3.
Variant type: single nucleotide variant.
Coding change: c.1537C>T on transcript NM_033380.3 (MANE Select); coding-DNA position 1537, C replaced by T.
Protein change: p.Gln513Ter; replaces glutamine 513 with a stop codon.
Molecular consequence: nonsense.
Genome position (GRCh38, 1-based): chrX:108,597,018, C>T. VCF-style: chrX-108597018-C-T. GRCh37 (hg19) VCF-style: chrX-107840248-C-T.
Other names: c.1537C>T, p.Gln513Ter (NM_000495.5); short protein forms Q513*.
Identifiers: ClinVar variation 3256659 (VCV003256659.1).